The following is an entry in ClinVar:

NM_022042.4(SLC26A1):c.208G>A (p.Ala70Thr)

Genes: IDUA (alpha-L-iduronidase; plus strand), SLC26A1 (solute carrier family 26 member 1; minus strand). Cytogenetic location: 4p16.3.
Variant type: single nucleotide variant.
Coding change: c.208G>A on transcript NM_022042.4 (MANE Select); coding-DNA position 208, G replaced by A.
Protein change: p.Ala70Thr; replaces alanine 70 with threonine.
Molecular consequence: missense variant. On other transcripts: intron variant (1).
Genome position (GRCh38, 1-based): chr4:991,496, C>T on the plus strand (G>A on the coding strand, the complement: SLC26A1 is on the minus strand). VCF-style: chr4-991496-C-T. GRCh37 (hg19) VCF-style: chr4-985284-C-T.
Other names: c.208G>A, p.Ala70Thr (NM_134425.4, NM_213613.4); c.299+3547C>T (NM_000203.5); short protein forms A70T.
Identifiers: ClinVar variation 4990386 (VCV004990386.1).

ClinVar aggregate classification (germline): Uncertain significance (1 of 4 stars; one submission).

Conditions:
SLC26A1-related disorder. Also called: SLC26A1-related condition.

gnomAD v4.1: 44 of 1,610,126 alleles (0.0027%); highest among the groups gnomAD compares: East Asian, 0.0067%; no homozygotes.

Submission:

PreventionGenetics, part of Exact Sciences
Classification: Uncertain significance for SLC26A1-related condition. Last evaluated: 2025-08-13. Review status: criteria provided, single submitter. Criteria: ACMG Guidelines, 2015. Collection method: clinical testing. Allele origin: germline.
Comment: The SLC26A1 c.208G>A variant is predicted to result in the amino acid substitution p.Ala70Thr. To our knowledge, this variant has not been reported in the literature. This variant is reported in 0.0018% of alleles in individuals of European (non-Finnish) descent in gnomAD. At this time, the clinical significance of this variant is uncertain due to the absence of conclusive functional and genetic evidence.